The following is an entry in ClinVar:

ClinVar aggregate classification (germline): Pathogenic (1 of 4 stars; one submission).

Conditions:
Early-infantile DEE. Also called: Ohtahara syndrome; Early infantile epileptic encephalopathy; Early infantile epileptic encephalopathy with suppression bursts. Identifiers: Orphanet 1934, MedGen C0393706, MONDO:0800491.

Submission:

Labcorp Genetics (formerly Invitae), Labcorp
Classification: Pathogenic for Early-infantile DEE. Last evaluated: 2023-09-23. Review status: criteria provided, single submitter. Criteria: Invitae Variant Classification Sherloc (09022015). Collection method: clinical testing. Allele origin: germline.
Comment: This sequence change creates a premature translational stop signal (p.Gly410Alafs*5) in the SCN1A gene. It is expected to result in an absent or disrupted protein product. Loss-of-function variants in SCN1A are known to be pathogenic (PMID: 17347258, 18930999). This variant is not present in population databases (gnomAD no frequency). This variant has not been reported in the literature in individuals affected with SCN1A-related conditions. For these reasons, this variant has been classified as Pathogenic.

Literature cited by the submitters: PubMed 17347258; PubMed 18930999.

NM_001165963.4(SCN1A):c.1229del (p.Gly410fs)

Gene: SCN1A (sodium voltage-gated channel alpha subunit 1; minus strand). Cytogenetic location: 2q24.3.
Variant type: Deletion.
Coding change: c.1229del on transcript NM_001165963.4 (MANE Select); coding-DNA position 1229, one base deleted (G; older notation c.1229delG).
Protein change: p.Gly410fs; shifts the reading frame from glycine 410.
Molecular consequence: frameshift variant. On other transcripts: 5 prime UTR variant (1), non-coding transcript variant (1).
Genome position (GRCh38, 1-based): chr2:166,046,918, C deleted on the plus strand (G on the coding strand, the reverse complement: SCN1A is on the minus strand); the first of 3 consecutive C bases (chr2:166,046,918-166,046,920); deleting any one gives the same sequence. VCF-style (leftmost placement, unchanged base first): chr2-166046917-GC-G. GRCh37 (hg19) VCF-style: chr2-166903427-GC-G.
Other names: c.1229del, p.Gly410fs (NM_001353954.2, NM_001353955.2, NM_001353957.2 and 10 more transcripts); c.-1197del (NM_001353961.2); short protein forms G410fs.
Identifiers: ClinVar variation 2762899 (VCV002762899.3), dbSNP rs2468181898, ClinGen allele CA2697551261.
Genomic context (GRCh38, chr2:166,046,917, plus strand): 5'-ATTCTGTTCCTCGTAGGCCATGGCCACCACAGCCAGGATCAAATTTATTAGGTAGAATGA[GC>G]CCAAGAAAATGACCAATACAAAAAATATCATGTACGTTTTCCCAGCAGCACGTAATGTCT-3'